The following is an entry in ClinVar:

ClinVar aggregate classification (germline): Uncertain significance. Review status: criteria provided, multiple submitters, no conflicts (2 of 4 stars). 2 submissions from 2 submitters: Uncertain significance (2). Last evaluated 2021-08-24.

Conditions:
Chédiak-Higashi syndrome (CHS). Also called: Chediak-Higashi Syndrome. Identifiers: Orphanet 167, MedGen C0007965, MONDO:0008963, OMIM 214500.

Allele frequency attached by ClinVar (database versions not stated): gnomAD exomes below 0.00001; TOPMed 0.00002.
gnomAD v4.1: 4 of 1,613,956 alleles (0.00025%); highest among the groups gnomAD compares: African/African-American, 0.004%; no homozygotes.

Submissions (2):

Labcorp Genetics (formerly Invitae), Labcorp
Classification: Uncertain significance for Chédiak-Higashi syndrome. Last evaluated: 2021-08-24. Review status: criteria provided, single submitter. Criteria: Invitae Variant Classification Sherloc (09022015). Collection method: clinical testing. Allele origin: germline.
Comment: This sequence change replaces serine with threonine at codon 931 of the LYST protein (p.Ser931Thr). The serine residue is moderately conserved and there is a small physicochemical difference between serine and threonine. This variant is not present in population databases (ExAC no frequency). This variant has not been reported in the literature in individuals affected with LYST-related conditions. Algorithms developed to predict the effect of missense changes on protein structure and function are either unavailable or do not agree on the potential impact of this missense change (SIFT: "Tolerated"; PolyPhen-2: "Probably Damaging"; Align-GVGD: "Class C0"). In summary, the available evidence is currently insufficient to determine the role of this variant in disease. Therefore, it has been classified as a Variant of Uncertain Significance.

Department of Pathology and Laboratory Medicine, Sinai Health System
Classification: Uncertain significance for Chédiak-Higashi syndrome. Last evaluated: 2021-07-30. Review status: criteria provided, single submitter. Criteria: ACMG Guidelines, 2015. Collection method: research. Allele origin: germline.

NM_000081.4(LYST):c.2792G>C (p.Ser931Thr)

Gene: LYST (lysosomal trafficking regulator; minus strand). Cytogenetic location: 1q42.3.
Variant type: single nucleotide variant.
Coding change: c.2792G>C on transcript NM_000081.4 (MANE Select); coding-DNA position 2792, G replaced by C.
Protein change: p.Ser931Thr; replaces serine 931 with threonine.
Molecular consequence: missense variant.
Genome position (GRCh38, 1-based): chr1:235,806,344, C>G on the plus strand (G>C on the coding strand, the complement: LYST is on the minus strand). VCF-style: chr1-235806344-C-G. GRCh37 (hg19) VCF-style: chr1-235969644-C-G.
Other names: c.2792G>C, p.Ser931Thr (NM_001301365.1); short protein forms S931T.
Identifiers: ClinVar variation 1386504 (VCV001386504.6), dbSNP rs1412228818, ClinGen allele CA344955260.